The following is an entry in ClinVar:

ClinVar aggregate classification (germline): Uncertain significance (1 of 4 stars; one submission).

Conditions:
Cardiac arrhythmia. Also called: Arrhythmia; Cardiac rhythm disease. Identifiers: MedGen C0003811, MONDO:0007263, HP:0011675.

gnomAD v4.1: 4 of 1,614,116 alleles (0.00025%); highest among the groups gnomAD compares: Non-Finnish European, 0.00034%; no homozygotes.

Submission:

Labcorp Genetics (formerly Invitae), Labcorp
Classification: Uncertain significance for Cardiac arrhythmia. Last evaluated: 2025-08-30. Review status: criteria provided, single submitter. Criteria: Invitae Variant Classification Sherloc (09022015). Collection method: clinical testing. Allele origin: germline.
Comment: This sequence change replaces arginine, which is basic and polar, with leucine, which is neutral and non-polar, at codon 29 of the RANGRF protein (p.Arg29Leu). This variant is present in population databases (rs781125251, gnomAD 0.0009%). This variant has not been reported in the literature in individuals affected with RANGRF-related conditions. An algorithm developed to predict the effect of missense changes on protein structure and function (PolyPhen-2) suggests that this variant is likely to be disruptive. In summary, the available evidence is currently insufficient to determine the role of this variant in disease. Therefore, it has been classified as a Variant of Uncertain Significance.

NM_016492.5(RANGRF):c.86G>T (p.Arg29Leu)

Genes: RANGRF (RAN guanine nucleotide release factor; plus strand), SLC25A35 (solute carrier family 25 member 35; minus strand), LOC130060241 (ATAC-STARR-seq lymphoblastoid active region 11693; plus strand). Cytogenetic location: 17p13.1.
Variant type: single nucleotide variant.
Coding change: c.86G>T on transcript NM_016492.5 (MANE Select); coding-DNA position 86, G replaced by T.
Protein change: p.Arg29Leu; replaces arginine 29 with leucine.
Molecular consequence: missense variant. On other transcripts: 3 prime UTR variant (2), non-coding transcript variant (2), intron variant (1).
Genome position (GRCh38, 1-based): chr17:8,288,964, G>T. VCF-style: chr17-8288964-G-T. GRCh37 (hg19) VCF-style: chr17-8192282-G-T.
Other names: c.86G>T, p.Arg29Leu (NM_001177801.2, NM_001177802.2, NM_001330127.2); c.*519C>A (NM_001320872.2); c.*652C>A (NM_201520.3); c.*43-532C>A (NM_001320871.2); short protein forms R29L.
Identifiers: ClinVar variation 4805409 (VCV004805409.1).
Genomic context (GRCh38, chr17:8,288,964, plus strand): 5'-GGGTTGTGGGAAGAGACCGGGGTCAACCAGGGTCTGCCTCGCCTCACTCCAGCGACCTCC[G>T]ACCGGTCCCGGACAATCAAGAAGTTTTCTGCCATCCCGTGACGGACCAGAGCCTGATAGT-3'
Protein context (NP_057576.2, residues 19-39): PMGAIDVSDL[Arg29Leu]PVPDNQEVFC